The following is an entry in ClinVar:

NM_001267550.2(TTN):c.65987G>A (p.Arg21996His)

Genes: TTN (titin; minus strand), TTN-AS1 (TTN antisense RNA 1; plus strand). Cytogenetic location: 2q31.2.
Variant type: single nucleotide variant.
Coding change: c.65987G>A on transcript NM_001267550.2 (MANE Select); coding-DNA position 65987, G replaced by A.
Protein change: p.Arg21996His; replaces arginine 21996 with histidine.
Molecular consequence: missense variant.
Genome position (GRCh38, 1-based): chr2:178,582,469, C>T on the plus strand (G>A on the coding strand, the complement: TTN is on the minus strand). VCF-style: chr2-178582469-C-T. GRCh37 (hg19) VCF-style: chr2-179447196-C-T.
Other names: c.61064G>A, p.Arg20355His (NM_001256850.1); c.38792G>A, p.Arg12931His (NM_003319.4); c.58283G>A, p.Arg19428His (NM_133378.4); c.39167G>A, p.Arg13056His (NM_133432.3); c.39368G>A, p.Arg13123His (NM_133437.4); c.65987G>A (NM_001267550.1); short protein forms R19428H, R21996H, R13056H, R13123H, R12931H, R20355H.
Identifiers: ClinVar variation 598480 (VCV000598480.11), dbSNP rs374489349, ClinGen allele CA1991599.

ClinVar aggregate classification (germline): Conflicting classifications of pathogenicity. Review status: criteria provided, conflicting classifications (1 of 4 stars). 5 submissions from 5 submitters: Uncertain significance (4); Likely benign (1). Last evaluated 2026-02-14.

Conditions:
Cardiovascular phenotype. Identifiers: MedGen CN230736.
TTN-related disorder. Also called: TTN-related condition; TTN-related disease; TTN-related disorders.

Allele frequency attached by ClinVar (database versions not stated): gnomAD 0.00003; gnomAD exomes 0.00003 and 0.00005; TOPMed 0.00003; ExAC 0.00004; ESP Exome Variant Server 0.00008.
gnomAD v4.1: 74 of 1,612,808 alleles (0.0046%); highest among the groups gnomAD compares: Non-Finnish European, 0.0058%; no homozygotes.

Submissions (5):

PreventionGenetics, part of Exact Sciences
Classification: Uncertain significance for TTN-related condition. Last evaluated: 2026-02-14. Review status: criteria provided, single submitter. Criteria: ACMG Guidelines, 2015. Collection method: clinical testing. Allele origin: germline.
Comment: The TTN c.65987G>A variant is predicted to result in the amino acid substitution p.Arg21996His. This variant has been reported in an individual with dilated cardiomyopathy (Table S3, Mazzarotto et al. 2020. PubMed ID: 31983221). This variant is reported in 0.0055% of alleles in individuals of European (Non-Finnish) descent in gnomAD. At this time, the clinical significance of this variant is uncertain due to the absence of conclusive functional and genetic evidence.

Blueprint Genetics
Classification: Likely benign. Last evaluated: 2023-11-16. Review status: criteria provided, single submitter. Criteria: ACMG Guidelines, 2015. Collection method: clinical testing. Allele origin: germline.

Athena Diagnostics
Classification: Uncertain significance. Last evaluated: 2022-11-17. Review status: criteria provided, single submitter. Criteria: Athena Diagnostics Criteria. Collection method: clinical testing. Allele origin: unknown.
Comment: Available data are insufficient to determine the clinical significance of the variant at this time. The frequency of this variant in the general population is uninformative in assessment of its pathogenicity. Computational tools predict that this variant is damaging.

Ambry Genetics
Classification: Uncertain significance for Cardiovascular phenotype. Last evaluated: 2019-05-01. Review status: criteria provided, single submitter. Criteria: Ambry Variant Classification Scheme 2023. Collection method: clinical testing. Allele origin: germline.
Comment: The p.R12931H variant (also known as c.38792G>A), located in coding exon 141 of the TTN gene, results from a G to A substitution at nucleotide position 38792. The arginine at codon 12931 is replaced by histidine, an amino acid with highly similar properties. This amino acid position is highly conserved in available vertebrate species. In addition, the in silico prediction for this alteration is inconclusive. Since supporting evidence is limited at this time, the clinical significance of this alteration remains unclear.

Eurofins Ntd Llc (ga)
Classification: Uncertain significance. Last evaluated: 2018-08-23. Review status: criteria provided, single submitter. Criteria: EGL ClinVar v180209 classification definitions. Collection method: clinical testing. Allele origin: germline. Observed: 1 variant allele, 1 heterozygote.